The following is an entry in ClinVar:

ClinVar aggregate classification (germline): Conflicting classifications of pathogenicity. Review status: criteria provided, conflicting classifications (1 of 4 stars). 12 submissions from 12 submitters: Likely pathogenic (10); Uncertain significance (1). 1 of the submissions does not count toward it. Last evaluated 2026-05-26.

Conditions:
Autosomal recessive BCHE-related disorders.
BCHE-related disorder. Also called: BCHE-related condition.
Deficiency of butyrylcholinesterase (BCHED). Also called: Butyrylcholinesterase deficiency; Acholinesterasemia; Deficiency of butyrylcholine esterase; BCHE, silent 1. Identifiers: Orphanet 132, MedGen C1283400, MONDO:0015270, OMIM 617936.
BCHE, fluoride 2. Identifiers: MedGen C3889588.

Allele frequency attached by ClinVar (database versions not stated): 1000 Genomes Project 0.00200; 1000 Genomes Project 30x 0.00219; gnomAD 0.00310; TOPMed 0.00332.
gnomAD v4.1: 6,509 of 1,613,898 alleles (0.4%); highest among the groups gnomAD compares: Middle Eastern, 0.74%; 18 homozygotes.

Submissions 1 to 7 of 12:

PreventionGenetics, part of Exact Sciences
Classification: Likely pathogenic for BCHE-related condition. Last evaluated: 2026-05-26. Review status: criteria provided, single submitter. Criteria: ACMG Guidelines, 2015. Collection method: clinical testing. Allele origin: germline.
Comment: The BCHE c.1253G>T variant is predicted to result in the amino acid substitution p.Gly418Val. This variant (also known as the fluoride-2, flu-2, or F-2 variant) has been described in patients with reduced butyrylcholinesterase activity and may be associated with an increased risk for post-anesthesia apnea following exposure to neuromuscular blocking agents such as succinylcholine (see examples: Nogueira et al. 1992. PubMed ID: 1415224, reported as p.Gly390Val; Yen et al. 2003. PubMed ID: 12881446; Masson et al. 1993. PubMed ID: 8314794; Jasiecki et al. 2016. PubMed ID: 27109752; Lando et al. 2003. PubMed ID: 12724618; Mikami et al. 2008. PubMed ID: 18300943; Greenberg et al. 1995. PubMed ID: 7618741). Although rare in the general population, the F-2 variant has been reported in smaller subpopulations at allele frequencies as high as ~0.5%. This variant is also referred to as Gly390Val in the literature. We classify this variant as likely pathogenic.

Dasa
Classification: Likely pathogenic. Last evaluated: 2026-02-09. Review status: criteria provided, single submitter. Criteria: DASA Assertion Criteria. Collection method: clinical testing. Allele origin: germline.
Comment: NM_000055.4(BCHE):c.1253G>T (p.Gly418Val) is a missense variant that results in the substitution of glycine with valine. This variant has been recurrently observed in individuals with BCHE-related disorders (PMID: 1415224; PMID: 12724618; PMID: 12881446; PMID: 27109752; PMID: 7618741). Functional evidence supports an impact on the gene or gene product. Also, this variant is rare in population databases. Based on the currently available evidence, this variant is classified as likely pathogenic.

Labcorp Genetics (formerly Invitae), Labcorp
Classification: Likely pathogenic. Last evaluated: 2026-01-19. Review status: criteria provided, single submitter. Criteria: Invitae Variant Classification Sherloc (09022015). Collection method: clinical testing. Allele origin: germline.
Comment: This sequence change replaces glycine, which is neutral and non-polar, with valine, which is neutral and non-polar, at codon 418 of the BCHE protein (p.Gly418Val). This variant is present in population databases (rs28933390, gnomAD 0.5%), and has an allele count higher than expected for a pathogenic variant. This missense change has been observed in individual(s) with butyrylcholinesterase deficiency (PMID: 1415224, 12724618). In at least one individual the data is consistent with being in trans (on the opposite chromosome) from a pathogenic variant. This variant is also known as Gly390Val or F2 allele. ClinVar contains an entry for this variant (Variation ID: 13219). Invitae Evidence Modeling of protein sequence and biophysical properties (such as structural, functional, and spatial information, amino acid conservation, physicochemical variation, residue mobility, and thermodynamic stability) has been performed for this missense variant. However, the output from this modeling did not meet the statistical confidence thresholds required to predict the impact of this variant on BCHE protein function. In summary, the currently available evidence indicates that the variant is pathogenic, but additional data are needed to prove that conclusively. Therefore, this variant has been classified as Likely Pathogenic.

Victorian Clinical Genetics Services, Murdoch Childrens Research Institute
Classification: Likely pathogenic for Deficiency of butyrylcholinesterase. Last evaluated: 2025-12-02. Review status: criteria provided, single submitter. Criteria: ACMG Guidelines, 2015. Collection method: clinical testing. Allele origin: germline. Affected: no.
Comment: This variant is classified as Likely pathogenic. Evidence in support of pathogenic classification: Variant is present in gnomAD <0.01 for a recessive condition (v4: 6473 heterozygotes, 18 homozygotes); This variant has strong previous evidence of pathogenicity in unrelated individuals. This variant is known as p.(Gly390Val) or F2 allele in the literature, and has been reported in multiple heterozygous, homozygous or compound heterozygous individuals with prolonged apnoea (PMID: 1415224, 12881446, 12724618, 18300943, 27109752). It has also been reported as VUS, likely pathogenic and pathogenic in ClinVar; This variant has moderate functional evidence supporting abnormal protein function. Functional studies demonstrate the variant bounds substrates and ligands less tightly than the WT, which may result in moderate succinyldicholine hypersensitivity (PMID: 8314794). Evidence in support of benign classification: Missense variant consistently predicted to be tolerated by multiple in silico tools or not conserved in placental mammals with a minor amino acid change. Additional information: Variant is predicted to result in a missense amino acid change from glycine to valine; This variant is heterozygous; This gene is associated with autosomal recessive disease; Three alternative amino acid changes at the same position have been observed in gnomAD (v2) (highest allele: 1 heterozygote, 0 homozygotes); No comparable missense variants have previous evidence for pathogenicity; Variant is located in the annotated carboxylesterase domain (DECIPHER); Loss of function is a known mechanism of disease in this gene and is associated with butyrylcholinesterase deficiency (MIM#617936); Heterozygous variant detected in trans with a second PATHOGENIC heterozygous variant (NM_000055.3:c.293A>G p.(Asp98Gly)) in a recessive disease.

Women's Health and Genetics/Laboratory Corporation of America, LabCorp
Classification: Likely pathogenic for Deficiency of butyrylcholinesterase. Last evaluated: 2025-06-13. Review status: criteria provided, single submitter. Criteria: LabCorp Variant Classification Summary - May 2015. Collection method: clinical testing. Allele origin: germline.
Comment: Variant summary: BCHE c.1253G>T (p.Gly418Val) results in a non-conservative amino acid change in the encoded protein sequence. Algorithms developed to predict the effect of missense changes on protein structure and function are either unavailable or do not agree on the potential impact of this missense change. The variant allele was found at a frequency of 0.0031 in 250680 control chromosomes in the gnomAD database, including 3 homozygotes. This frequency is not significantly higher than estimated for a pathogenic variant in BCHE causing Deficiency Of Butyrylcholine Esterase (0.0031 vs 0.016), allowing no conclusion about variant significance. The variant c.1253G>T has been reported in the literature in compound heterozygous state either in individuals manifesting increased sensitivity to muscle relaxants, such as succinylcholine (e.g. Greenberg_1995, Yen_2003) or was reported as a biochemical phenotype, based on altered cholinesterase activities by various in vitro enzyme assays (e.g. Nogueira_1992, Lando_2003, Jasiecki_2016). At least one publication reported experimental evidence evaluating an impact on protein function, and demonstrated an increased Km value for succinyldithiocholine for the variant protein, causing a reduction in substrate affinity, therefore the authors concluded that the rate of hydrolysis of succinyldicholine should be slower when its concentration is in the pharmacologic range (Masson_1993). The following publications have been ascertained in the context of this evaluation (PMID: 7618741, 31980526, 27109752, 12724618, 8314794, 1415224, 12881446). ClinVar contains an entry for this variant (Variation ID: 13219). Based on the evidence outlined above, the variant was classified as likely pathogenic.

Variantyx, Inc.
Classification: Likely pathogenic for Autosomal recessive BCHE-related disorders. Last evaluated: 2025-03-20. Review status: criteria provided, single submitter. Criteria: Variantyx Assertion Criteria 2022. Collection method: clinical testing. Allele origin: maternal.
Comment: This is a nonsynonymous variant in the BCHE gene (OMIM: 177400). Pathogenic variants in this gene have been associated with autosomal recessive BCHE-related disorders. Functional studies have shown that this variant alters BCHE protein function (PMID: 8314794) (PS3_Moderate). Multiple computational algorithms predict no functional impact for this variant (REVEL score: 0.077) (BP4_Moderate). This variant has a 0.4892% maximum allele frequency in non-founder control populations. Based on the current evidence, this variant is classified as likely pathogenic for autosomal recessive BCHE-related disorders.

Blueprint Genetics
Classification: Uncertain significance. Last evaluated: 2024-11-26. Review status: criteria provided, single submitter. Criteria: ACMG Guidelines, 2015. Collection method: clinical testing. Allele origin: germline.

NM_000055.2(BCHE):c.1253G>T (p.Gly418Val)

Gene: BCHE (butyrylcholinesterase; minus strand). Cytogenetic location: 3q26.1.
Variant type: single nucleotide variant.
Coding change: c.1253G>T on transcript NM_000055.2; coding-DNA position 1253, G replaced by T.
Protein change: p.Gly418Val; replaces glycine 418 with valine.
Molecular consequence: missense variant (on NM_000055.4). On other transcripts: non-coding transcript variant (1).
Genome position (GRCh38, 1-based): chr3:165,829,781, C>A on the plus strand (G>T on the coding strand, the complement: BCHE is on the minus strand). VCF-style: chr3-165829781-C-A. GRCh37 (hg19) VCF-style: chr3-165547569-C-A.
Other names: G390V; BCHE*390V; CHE*390V; c.1253G>T, p.Gly418Val (NM_000055.4); short protein forms G418V.
Identifiers: ClinVar variation 13219 (VCV000013219.30), dbSNP rs28933390, ClinGen allele CA122966.